The following is an entry in ClinVar:

ClinVar aggregate classification (germline): Uncertain significance (1 of 4 stars; one submission).

Conditions:
Primary immunodeficiency with post-measles-mumps-rubella vaccine viral infection. Also called: Immunodeficiency 44. Identifiers: Orphanet 431166, MedGen C4225260, MONDO:0014715, OMIM 616636.

Allele frequency attached by ClinVar (database versions not stated): gnomAD exomes below 0.00001; ExAC 0.00001.
gnomAD v4.1: 1 of 1,614,150 alleles (0.000062%); highest among the groups gnomAD compares: Non-Finnish European, 0.000085%; no homozygotes.

Submission:

Labcorp Genetics (formerly Invitae), Labcorp
Classification: Uncertain significance for Primary immunodeficiency with post-measles-mumps-rubella vaccine viral infection. Last evaluated: 2020-02-27. Review status: criteria provided, single submitter. Criteria: Invitae Variant Classification Sherloc (09022015). Collection method: clinical testing. Allele origin: germline.
Comment: This sequence change replaces aspartic acid with histidine at codon 746 of the STAT2 protein (p.Asp746His). The aspartic acid residue is moderately conserved and there is a moderate physicochemical difference between aspartic acid and histidine. This variant is present in population databases (rs760470820, ExAC 0.002%). This variant has not been reported in the literature in individuals with STAT2-related conditions. Algorithms developed to predict the effect of missense changes on protein structure and function (SIFT, PolyPhen-2, Align-GVGD) all suggest that this variant is likely to be tolerated, but these predictions have not been confirmed by published functional studies and their clinical significance is uncertain. In summary, the available evidence is currently insufficient to determine the role of this variant in disease. Therefore, it has been classified as a Variant of Uncertain Significance.

NM_005419.4(STAT2):c.2236G>C (p.Asp746His)

Gene: STAT2 (signal transducer and activator of transcription 2; minus strand). Cytogenetic location: 12q13.3.
Variant type: single nucleotide variant.
Coding change: c.2236G>C on transcript NM_005419.4 (MANE Select); coding-DNA position 2236, G replaced by C.
Protein change: p.Asp746His; replaces aspartic acid 746 with histidine.
Molecular consequence: missense variant.
Genome position (GRCh38, 1-based): chr12:56,344,002, C>G on the plus strand (G>C on the coding strand, the complement: STAT2 is on the minus strand). VCF-style: chr12-56344002-C-G. GRCh37 (hg19) VCF-style: chr12-56737786-C-G.
Other names: c.2203G>C, p.Asp735His (NM_001385110.1); c.2137G>C, p.Asp713His (NM_001385111.1); c.2236G>C, p.Asp746His (NM_001385113.1); c.2215G>C, p.Asp739His (NM_001385114.1); c.2194G>C, p.Asp732His (NM_001385115.1); c.2224G>C, p.Asp742His (NM_198332.2); short protein forms D713H, D732H, D735H, D739H, D742H, D746H.
Identifiers: ClinVar variation 1017584 (VCV001017584.8), dbSNP rs760470820, ClinGen allele CA6630283.